The following is an entry in ClinVar:

NM_000081.4(LYST):c.3461C>G (p.Thr1154Arg)

Gene: LYST (lysosomal trafficking regulator; minus strand). Cytogenetic location: 1q42.3.
Variant type: single nucleotide variant.
Coding change: c.3461C>G on transcript NM_000081.4 (MANE Select); coding-DNA position 3461, C replaced by G.
Protein change: p.Thr1154Arg; replaces threonine 1154 with arginine.
Molecular consequence: missense variant.
Genome position (GRCh38, 1-based): chr1:235,804,598, G>C on the plus strand (C>G on the coding strand, the complement: LYST is on the minus strand). VCF-style: chr1-235804598-G-C. GRCh37 (hg19) VCF-style: chr1-235967898-G-C.
Other names: c.3461C>G, p.Thr1154Arg (NM_001301365.1); short protein forms T1154R.
Identifiers: ClinVar variation 424060 (VCV000424060.6), dbSNP rs756226516, ClinGen allele CA1467069.
Genomic context (GRCh38, chr1:235,804,598, plus strand): 5'-GCTGAATAATTCCCGAGGGCAACTCGAAGCAGGGCATCAAATAAAGGCTTTGCTAGTTGT[G>C]TTTCAATCACCTTTGACTGGGAAAGATGGTCCCTCATTTCAAATAATATACTTTCCACAG-3'
Protein context (NP_000072.2, residues 1144-1164): DHLSQSKVIE[Thr1154Arg]QLAKPLFDAL

ClinVar aggregate classification (germline): Uncertain significance. Review status: criteria provided, multiple submitters, no conflicts (2 of 4 stars). 2 submissions from 2 submitters: Uncertain significance (2). Last evaluated 2025-09-25.

Conditions:
Chédiak-Higashi syndrome (CHS). Also called: Chediak-Higashi Syndrome. Identifiers: Orphanet 167, MedGen C0007965, MONDO:0008963, OMIM 214500.

Allele frequency attached by ClinVar (database versions not stated): ExAC 0.00002; gnomAD exomes 0.00002 and 0.00001; TOPMed below 0.00001.
gnomAD v4.1: 7 of 1,610,570 alleles (0.00043%); highest among the groups gnomAD compares: Admixed American, 0.01%; no homozygotes.

Submissions (2):

GeneDx
Classification: Uncertain significance. Last evaluated: 2025-09-25. Review status: criteria provided, single submitter. Criteria: GeneDx Variant Classification Process June 2021. Collection method: clinical testing. Allele origin: germline. Affected: yes.
Comment: Not observed at significant frequency in large population cohorts (gnomAD); In silico analysis supports that this missense variant has a deleterious effect on protein structure/function; Has not been previously published as pathogenic or benign to our knowledge

Labcorp Genetics (formerly Invitae), Labcorp
Classification: Uncertain significance for Chédiak-Higashi syndrome. Last evaluated: 2022-02-10. Review status: criteria provided, single submitter. Criteria: Invitae Variant Classification Sherloc (09022015). Collection method: clinical testing. Allele origin: germline.
Comment: This sequence change replaces threonine, which is neutral and polar, with arginine, which is basic and polar, at codon 1154 of the LYST protein (p.Thr1154Arg). This variant is present in population databases (rs756226516, gnomAD 0.01%). This variant has not been reported in the literature in individuals affected with LYST-related conditions. ClinVar contains an entry for this variant (Variation ID: 424060). Algorithms developed to predict the effect of missense changes on protein structure and function are either unavailable or do not agree on the potential impact of this missense change (SIFT: "Deleterious"; PolyPhen-2: "Probably Damaging"; Align-GVGD: "Class C0"). In summary, the available evidence is currently insufficient to determine the role of this variant in disease. Therefore, it has been classified as a Variant of Uncertain Significance.